The following is an entry in ClinVar:

NM_006767.4(LZTR1):c.11C>T (p.Pro4Leu)

Genes: LZTR1 (leucine zipper like post translational regulator 1; plus strand), LOC130067016 (ATAC-STARR-seq lymphoblastoid silent region 13504; plus strand). Cytogenetic location: 22q11.21.
Variant type: single nucleotide variant.
Coding change: c.11C>T on transcript NM_006767.4 (MANE Select); coding-DNA position 11, C replaced by T.
Protein change: p.Pro4Leu; replaces proline 4 with leucine.
Molecular consequence: missense variant.
Genome position (GRCh38, 1-based): chr22:20,982,382, C>T. VCF-style: chr22-20982382-C-T. GRCh37 (hg19) VCF-style: chr22-21336671-C-T.
Other names: short protein forms P4L.
Identifiers: ClinVar variation 3238031 (VCV003238031.1), dbSNP rs2518607552.
Genomic context (GRCh38, chr22:20,982,382, plus strand): 5'-GGTGGCCGCAAGTTGGGCTTACAGCGCGGCCGATCCGGCGTGGACCCGGGATGGCTGGAC[C>T]GGGCAGCACGGGGGGGCAGATCGGGGCTGCGGCCCTGGCAGGCGGCGCGCGGTCCAAGGT-3'
Protein context (NP_006758.2, residues 1-14): MAG[Pro4Leu]GSTGGQIGAA

ClinVar aggregate classification (germline): Uncertain significance (1 of 4 stars; one submission).

Conditions:
Hereditary cancer-predisposing syndrome. Also called: Neoplastic Syndromes, Hereditary; Tumor predisposition; Hereditary neoplastic syndrome; Hereditary Cancer Syndrome. Identifiers: Orphanet 140162, MedGen C0027672, MeSH D009386, MONDO:0015356.
Cardiovascular phenotype. Identifiers: MedGen CN230736.

Submission:

Ambry Genetics
Classification: Uncertain significance for Cardiovascular phenotype; Hereditary cancer-predisposing syndrome. Last evaluated: 2023-06-30. Review status: criteria provided, single submitter. Criteria: Ambry Variant Classification Scheme 2023. Collection method: clinical testing. Allele origin: germline.
Comment: The p.P4L variant (also known as c.11C>T), located in coding exon 1 of the LZTR1 gene, results from a C to T substitution at nucleotide position 11. The proline at codon 4 is replaced by leucine, an amino acid with similar properties. This amino acid position is conserved. In addition, this alteration is predicted to be tolerated by in silico analysis. Since supporting evidence is limited at this time, the clinical significance of this alteration remains unclear.